The following is an entry in ClinVar:

ClinVar aggregate classification (germline): Conflicting classifications of pathogenicity. Review status: criteria provided, conflicting classifications (1 of 4 stars). 6 submissions from 6 submitters: Uncertain significance (1); Likely benign (4). 1 of the submissions does not count toward it. Last evaluated 2026-08-17.

Conditions:
Adams-Oliver syndrome 5 (AOS5). Identifiers: Orphanet 974, MedGen C4014970, MONDO:0014459, OMIM 616028.
Familial thoracic aortic aneurysm and aortic dissection (TAAD). Also called: Thoracic aortic aneurysms and dissections. Identifiers: Orphanet 91387, MedGen C4707243, MONDO:0019625.

Allele frequency attached by ClinVar (database versions not stated): TOPMed 0.00004; ESP Exome Variant Server 0.00008; gnomAD 0.00011; gnomAD exomes 0.00013; ExAC 0.00018.
gnomAD v4.1: 235 of 1,593,036 alleles (0.015%); highest among the groups gnomAD compares: Non-Finnish European, 0.016%; no homozygotes.

Submissions (6):

GeneDx
Classification: Uncertain significance. Last evaluated: 2026-08-17. Review status: criteria provided, single submitter. Criteria: GeneDx Variant Classification Process June 2021. Collection method: clinical testing. Allele origin: germline.
Comment: Has not been previously published as pathogenic or benign in association with a NOTCH1-related disorder to our knowledge; In silico analysis suggests that this missense variant does not alter protein structure/function; This variant is associated with the following publications: (PMID: 39768623, 30341550, 24728327)

Labcorp Genetics (formerly Invitae), Labcorp
Classification: Likely benign for Adams-Oliver syndrome 5. Last evaluated: 2025-09-20. Review status: criteria provided, single submitter. Criteria: Invitae Variant Classification Sherloc (09022015). Collection method: clinical testing. Allele origin: germline.

Women's Health and Genetics/Laboratory Corporation of America, LabCorp
Classification: Likely benign. Last evaluated: 2025-01-28. Review status: criteria provided, single submitter. Criteria: LabCorp Variant Classification Summary - May 2015. Collection method: clinical testing. Allele origin: germline.
Comment: Variant summary: NOTCH1 c.7400C>T (p.Ser2467Leu) results in a non-conservative amino acid change in the encoded protein sequence. Three of five in-silico tools predict a benign effect of the variant on protein function. The variant allele was found at a frequency of 0.00013 in 215786 control chromosomes. The observed variant frequency is approximately 200.2 fold of the estimated maximal expected allele frequency for a pathogenic variant in NOTCH1 causing Adams-Oliver Syndrome 5 phenotype (6.3e-07). To our knowledge, no occurrence of c.7400C>T in individuals affected with Adams-Oliver Syndrome 5 and no experimental evidence demonstrating its impact on protein function have been reported. ClinVar contains an entry for this variant (Variation ID: 134947). Based on the evidence outlined above, the variant was classified as likely benign.

Blueprint Genetics
Classification: Likely benign. Last evaluated: 2023-08-23. Review status: criteria provided, single submitter. Criteria: ACMG Guidelines, 2015. Collection method: clinical testing. Allele origin: germline.

CHEO Genetics Diagnostic Laboratory, Children's Hospital of Eastern Ontario
Classification: Likely benign for Familial thoracic aortic aneurysm and aortic dissection. Last evaluated: 2020-05-14. Review status: criteria provided, single submitter. Criteria: ACMG Guidelines, 2015. Collection method: clinical testing. Allele origin: germline.

ITMI
No classification provided. Condition: AllHighlyPenetrant. Last evaluated: 2013-09-19. Review status: no classification provided. Collection method: reference population. Allele origin: germline. Not counted in ClinVar's aggregate classification.
Comment: Please see associated publication for description of ethnicities

Literature cited by the submitters: PubMed 24943832 (cited by Women's Health and Genetics/Laboratory Corporation of America, LabCorp); PubMed 16614245 (cited by Women's Health and Genetics/Laboratory Corporation of America, LabCorp); PubMed 21670202 (cited by Women's Health and Genetics/Laboratory Corporation of America, LabCorp); PubMed 22210878 (cited by Women's Health and Genetics/Laboratory Corporation of America, LabCorp); PubMed 19635999 (cited by Women's Health and Genetics/Laboratory Corporation of America, LabCorp); PubMed 26837699 (cited by Women's Health and Genetics/Laboratory Corporation of America, LabCorp); PubMed 23086750 (cited by Women's Health and Genetics/Laboratory Corporation of America, LabCorp); PubMed 19245433 (cited by Women's Health and Genetics/Laboratory Corporation of America, LabCorp); PubMed 22077063 (cited by Women's Health and Genetics/Laboratory Corporation of America, LabCorp); PubMed 15472075 (cited by Women's Health and Genetics/Laboratory Corporation of America, LabCorp); PubMed 23734977 (cited by Women's Health and Genetics/Laboratory Corporation of America, LabCorp); PubMed 22858860 (cited by Women's Health and Genetics/Laboratory Corporation of America, LabCorp); PubMed 24728327 (cited by ITMI).

NM_017617.5(NOTCH1):c.7400C>T (p.Ser2467Leu)

Gene: NOTCH1 (notch receptor 1; minus strand). Cytogenetic location: 9q34.3.
Variant type: single nucleotide variant.
Coding change: c.7400C>T on transcript NM_017617.5 (MANE Select); coding-DNA position 7400, C replaced by T.
Protein change: p.Ser2467Leu; replaces serine 2467 with leucine.
Molecular consequence: missense variant.
Genome position (GRCh38, 1-based): chr9:136,496,339, G>A on the plus strand (C>T on the coding strand, the complement: NOTCH1 is on the minus strand). VCF-style: chr9-136496339-G-A. GRCh37 (hg19) VCF-style: chr9-139390791-G-A.
Other names: c.7400C>T, p.Ser2467Leu (LRG_1122t1); short protein forms S2467L.
Identifiers: ClinVar variation 134947 (VCV000134947.18), dbSNP rs375025242, ClinGen allele CA161221.
Genomic context (GRCh38, chr9:136,496,339, plus strand): 5'-TGCGAGGGGGGCGTCAGGAACTGGGCTGCGGTCACGGGTGGGACCAGCGAGGATGGCAGC[G>A]ACGTGGGCAGGGCGGGGCTCTCCTGGGGCAGAATAGTGTGCACCGCCAGGCTGCTGGGGC-3'
Protein context (NP_060087.3, residues 2457-2477): LPQESPALPT[Ser2467Leu]LPSSLVPPVT